The following is an entry in ClinVar:

ClinVar aggregate classification (germline): Likely benign (1 of 4 stars; one submission).

Allele frequency attached by ClinVar (database versions not stated): gnomAD exomes 0.00005; ExAC 0.00060; ESP Exome Variant Server 0.00497; 1000 Genomes Project 0.00619.

Submission:

CeGaT Center for Human Genetics Tuebingen
Classification: Likely benign. Last evaluated: 2025-11-01. Review status: criteria provided, single submitter. Criteria: CeGaT Center For Human Genetics Tuebingen Variant Classification Criteria Version 2. Collection method: clinical testing. Allele origin: germline. Affected: yes. Observed: 5 variant alleles.
Comment: DSPP: BP4, BP7

NM_014208.3(DSPP):c.3579C>T (p.Ser1193=)

Genes: DMP1-AS1 (DMP1 and DSPP antisense RNA 1; minus strand), DSPP (dentin sialophosphoprotein; plus strand). Cytogenetic location: 4q22.1.
Variant type: single nucleotide variant.
Coding change: c.3579C>T on transcript NM_014208.3 (MANE Select); coding-DNA position 3579, C replaced by T.
Protein change: p.Ser1193=; no amino-acid change (serine 1193 retained).
Molecular consequence: synonymous variant.
Genome position (GRCh38, 1-based): chr4:87,616,241, C>T. VCF-style: chr4-87616241-C-T. GRCh37 (hg19) VCF-style: chr4-88537393-C-T.
Identifiers: ClinVar variation 2654928 (VCV002654928.24), dbSNP rs372841521, ClinGen allele CA3001800.
Genomic context (GRCh38, chr4:87,616,241, plus strand): 5'-TAGCAGTGACAGCAGCAATAGCAGTGATAGCAGCGACAGCAGTGATAGCAGTGACAGCAG[C>T]GACAGCAGCGATAGCAGCGACAGCAGCGATAGTAGTGATAGCAGTGACAGCAGTGACAGC-3'
Protein context (NP_055023.2, residues 1183-1203): SSDSSDSSDS[Ser1193=]DSSDSSDSSD